The following is an entry in ClinVar:

NM_001378778.1(MPDZ):c.6122A>T (p.Asn2041Ile)

Gene: MPDZ (multiple PDZ domain crumbs cell polarity complex component; minus strand). Cytogenetic location: 9p23.
Variant type: single nucleotide variant.
Coding change: c.6122A>T on transcript NM_001378778.1 (MANE Select); coding-DNA position 6122, A replaced by T.
Protein change: p.Asn2041Ile; replaces asparagine 2041 with isoleucine.
Molecular consequence: missense variant.
Genome position (GRCh38, 1-based): chr9:13,107,056, T>A on the plus strand (A>T on the coding strand, the complement: MPDZ is on the minus strand). VCF-style: chr9-13107056-T-A. GRCh37 (hg19) VCF-style: chr9-13107055-T-A.
Other names: c.6023A>T, p.Asn2008Ile (NM_001261406.2, NM_001375416.1, NM_001375417.1 and 1 more transcripts); c.5936A>T, p.Asn1979Ile (NM_001261407.2, NM_001375419.1); c.6122A>T, p.Asn2041Ile (NM_001330637.2); c.6221A>T, p.Asn2074Ile (NM_001375413.1); c.5912A>T, p.Asn1971Ile (NM_001375420.1, NM_001375421.1, NM_001375422.1 and 2 more transcripts); c.5825A>T, p.Asn1942Ile (NM_001375425.1, NM_001375426.1); c.5714A>T, p.Asn1905Ile (NM_001375427.1); c.6035A>T, p.Asn2012Ile (NM_003829.5); short protein forms N1971I, N1979I, N2041I, N2074I, N1942I, N1905I, N2008I, N2012I.
Identifiers: ClinVar variation 1937213 (VCV001937213.4), dbSNP rs1369078759, ClinGen allele CA372938384.

ClinVar aggregate classification (germline): Uncertain significance (1 of 4 stars; one submission).

gnomAD v4.1: 2 of 1,609,026 alleles (0.00012%); highest among the groups gnomAD compares: Admixed American, 0.0033%; no homozygotes.

Submission:

Labcorp Genetics (formerly Invitae), Labcorp
Classification: Uncertain significance. Last evaluated: 2024-07-22. Review status: criteria provided, single submitter. Criteria: Invitae Variant Classification Sherloc (09022015). Collection method: clinical testing. Allele origin: germline.
Comment: This sequence change replaces asparagine, which is neutral and polar, with isoleucine, which is neutral and non-polar, at codon 2012 of the MPDZ protein (p.Asn2012Ile). This variant is present in population databases (no rsID available, gnomAD 0.006%). This variant has not been reported in the literature in individuals affected with MPDZ-related conditions. ClinVar contains an entry for this variant (Variation ID: 1937213). An algorithm developed to predict the effect of missense changes on protein structure and function (PolyPhen-2) suggests that this variant is likely to be disruptive. In summary, the available evidence is currently insufficient to determine the role of this variant in disease. Therefore, it has been classified as a Variant of Uncertain Significance.